The following is an entry in ClinVar:

NM_005559.4(LAMA1):c.8134G>A (p.Gly2712Ser)

Genes: LAMA1 (laminin subunit alpha 1; minus strand), LOC101927188 (uncharacterized LOC101927188; plus strand). Cytogenetic location: 18p11.31.
Variant type: single nucleotide variant.
Coding change: c.8134G>A on transcript NM_005559.4 (MANE Select); coding-DNA position 8134, G replaced by A.
Protein change: p.Gly2712Ser; replaces glycine 2712 with serine.
Molecular consequence: missense variant. On other transcripts: non-coding transcript variant (1).
Genome position (GRCh38, 1-based): chr18:6,955,426, C>T on the plus strand (G>A on the coding strand, the complement: LAMA1 is on the minus strand). VCF-style: chr18-6955426-C-T. GRCh37 (hg19) VCF-style: chr18-6955425-C-T.
Other names: short protein forms G2712S.
Identifiers: ClinVar variation 4055776 (VCV004055776.3).

ClinVar aggregate classification (germline): Uncertain significance. Review status: criteria provided, multiple submitters, no conflicts (2 of 4 stars). 3 submissions from 3 submitters: Uncertain significance (3). Last evaluated 2025-11-18.

Conditions:
LAMA1-related disorder. Also called: LAMA1-related disorders; LAMA1-related condition.
Inborn genetic diseases. Identifiers: MedGen C0950123, MeSH D030342.

gnomAD v4.1: 19 of 1,613,968 alleles (0.0012%); highest among the groups gnomAD compares: African/African-American, 0.0093%; no homozygotes.

Submissions (3):

PreventionGenetics, part of Exact Sciences
Classification: Uncertain significance for LAMA1-related condition. Last evaluated: 2025-11-18. Review status: criteria provided, single submitter. Criteria: ACMG Guidelines, 2015. Collection method: clinical testing. Allele origin: germline.
Comment: The LAMA1 c.8134G>A variant is predicted to result in the amino acid substitution p.Gly2712Ser. To our knowledge, this variant has not been reported in the literature. This variant is present in 0.0040% of alleles in individuals of African descent in gnomAD. At this time, the clinical significance of this variant is uncertain due to the absence of conclusive functional and genetic evidence.

Ambry Genetics
Classification: Uncertain significance for Inborn genetic diseases. Last evaluated: 2025-09-05. Review status: criteria provided, single submitter. Criteria: Ambry Variant Classification Scheme 2023. Collection method: clinical testing. Allele origin: germline.

GeneDx
Classification: Uncertain significance. Last evaluated: 2025-01-07. Review status: criteria provided, single submitter. Criteria: GeneDx Variant Classification Process June 2021. Collection method: clinical testing. Allele origin: germline. Affected: yes.
Comment: In silico analysis indicates that this missense variant does not alter protein structure/function; Has not been previously published as pathogenic or benign to our knowledge; Not observed at significant frequency in large population cohorts (gnomAD)